The following is an entry in ClinVar:

NM_000492.4(CFTR):c.826T>C (p.Cys276Arg)

Gene: CFTR (CF transmembrane conductance regulator; plus strand). Cytogenetic location: 7q31.2.
Variant type: single nucleotide variant.
Coding change: c.826T>C on transcript NM_000492.4 (MANE Select); coding-DNA position 826, T replaced by C.
Protein change: p.Cys276Arg; replaces cysteine 276 with arginine.
Molecular consequence: missense variant.
Genome position (GRCh38, 1-based): chr7:117,536,630, T>C. VCF-style: chr7-117536630-T-C. GRCh37 (hg19) VCF-style: chr7-117176684-T-C.
Other names: short protein forms C276R.
Identifiers: ClinVar variation 4647281 (VCV004647281.1).
Genomic context (GRCh38, chr7:117,536,630, plus strand): 5'-AGTGAAAGACTTGTGATTACCTCAGAAATGATTGAAAATATCCAATCTGTTAAGGCATAC[T>C]GCTGGGAAGAAGCAATGGAAAAAATGATTGAAAACTTAAGACAGTAAGTTGTTCCAATAA-3'
Protein context (NP_000483.3, residues 266-286): IENIQSVKAY[Cys276Arg]WEEAMEKMIE

ClinVar aggregate classification (germline): Uncertain significance (1 of 4 stars; one submission).

Conditions:
Cystic fibrosis (CF). Also called: MUCOVISCIDOSIS. Identifiers: Orphanet 586, MedGen C0010674, MONDO:0009061, OMIM 219700. Disease mechanism: loss of function.

Submission:

Ambry Genetics
Classification: Uncertain significance for Cystic fibrosis. Last evaluated: 2025-10-03. Review status: criteria provided, single submitter. Criteria: Ambry Variant Classification Scheme 2023. Collection method: clinical testing. Allele origin: germline.
Comment: The p.C276R variant (also known as c.826T>C), located in coding exon 7 of the CFTR gene, results from a T to C substitution at nucleotide position 826. The cysteine at codon 276 is replaced by arginine, an amino acid with highly dissimilar properties. This amino acid position is conserved. In addition, this alteration is predicted to be deleterious by in silico analysis. Based on the available evidence, the clinical significance of this variant remains unclear.